The following is an entry in ClinVar:

NM_001364905.1(LRBA):c.6826C>A (p.Arg2276Ser)

Gene: LRBA (LPS responsive beige-like anchor protein; minus strand). Cytogenetic location: 4q31.3.
Variant type: single nucleotide variant.
Coding change: c.6826C>A on transcript NM_001364905.1 (MANE Select); coding-DNA position 6826, C replaced by A.
Protein change: p.Arg2276Ser; replaces arginine 2276 with serine.
Molecular consequence: missense variant.
Genome position (GRCh38, 1-based): chr4:150,436,819, G>T on the plus strand (C>A on the coding strand, the complement: LRBA is on the minus strand). VCF-style: chr4-150436819-G-T. GRCh37 (hg19) VCF-style: chr4-151357971-G-T.
Other names: c.6826C>A, p.Arg2276Ser (NM_001199282.3, NM_001367550.1); c.6859C>A, p.Arg2287Ser (NM_006726.5); short protein forms R2276S, R2287S.
Identifiers: ClinVar variation 1395157 (VCV001395157.6), dbSNP rs373106840, ClinGen allele CA3101803.
Genomic context (GRCh38, chr4:150,436,819, plus strand): 5'-TTGAGTAATGAGTACCATAGTGAAACTTTGGAACTTGATCATCTTCCCATGATTCATAAC[G>T]CTCAGCGAAGAATGCTGCTCTTTTTGGGTTCAGAGCTCCTATTGGCTGCCAATAGGGAGG-3'
Protein context (NP_001351834.1, residues 2266-2286): NPKRAAFFAE[Arg2276Ser]YESWEDDQVP

ClinVar aggregate classification (germline): Uncertain significance (1 of 4 stars; one submission).

Conditions:
Combined immunodeficiency due to LRBA deficiency. Also called: Common variable immunodeficiency 8, with autoimmunity. Identifiers: Orphanet 445018, MedGen C3553512, MONDO:0013863, OMIM 614700.

Allele frequency attached by ClinVar (database versions not stated): ESP Exome Variant Server 0.00008.
gnomAD v4.1: 33 of 1,613,514 alleles (0.002%); highest among the groups gnomAD compares: Non-Finnish European, 0.0025%; no homozygotes.

Submission:

Labcorp Genetics (formerly Invitae), Labcorp
Classification: Uncertain significance for Combined immunodeficiency due to LRBA deficiency. Last evaluated: 2022-05-13. Review status: criteria provided, single submitter. Criteria: Invitae Variant Classification Sherloc (09022015). Collection method: clinical testing. Allele origin: germline.
Comment: This sequence change replaces arginine, which is basic and polar, with serine, which is neutral and polar, at codon 2287 of the LRBA protein (p.Arg2287Ser). This variant is present in population databases (rs373106840, gnomAD 0.006%). This variant has not been reported in the literature in individuals affected with LRBA-related conditions. Algorithms developed to predict the effect of missense changes on protein structure and function are either unavailable or do not agree on the potential impact of this missense change (SIFT: "Deleterious"; PolyPhen-2: "Probably Damaging"; Align-GVGD: "Class C0"). In summary, the available evidence is currently insufficient to determine the role of this variant in disease. Therefore, it has been classified as a Variant of Uncertain Significance.